The following is an entry in ClinVar:

NM_001042724.2(NECTIN2):c.1042+3797G>T

Gene: NECTIN2 (nectin cell adhesion molecule 2; plus strand). Cytogenetic location: 19q13.32.
Variant type: single nucleotide variant.
Coding change: c.1042+3797G>T on transcript NM_001042724.2 (MANE Select); 3797 bases into the intron after coding-DNA position 1042, G replaced by T.
Molecular consequence: intron variant. On other transcripts: synonymous variant (1).
Genome position (GRCh38, 1-based): chr19:44,878,275, G>T. VCF-style: chr19-44878275-G-T. GRCh37 (hg19) VCF-style: chr19-45381532-G-T.
Other names: c.1095G>T, p.Val365= (NM_002856.3).
Identifiers: ClinVar variation 3045274 (VCV003045274.2), dbSNP rs773661475, ClinGen allele CA9505294.

ClinVar aggregate classification (germline): Likely benign (0 of 4 stars; one submission).

Conditions:
NECTIN2-related disorder. Also called: NECTIN2-related condition.

Allele frequency attached by ClinVar (database versions not stated): ExAC 0.00044.
gnomAD v4.1: 518 of 1,151,132 alleles (0.045%); highest among the groups gnomAD compares: Non-Finnish European, 0.062%; no homozygotes.

Submission:

PreventionGenetics, part of Exact Sciences
Classification: Likely benign for NECTIN2-related condition. Last evaluated: 2019-11-01. Review status: no assertion criteria provided. Collection method: clinical testing. Allele origin: germline.
Comment: This variant is classified as likely benign based on ACMG/AMP sequence variant interpretation guidelines (Richards et al. 2015 PMID: 25741868, with internal and published modifications).